The following is an entry in ClinVar:

ClinVar aggregate classification (germline): Uncertain significance. Review status: criteria provided, multiple submitters, no conflicts (2 of 4 stars). 4 submissions from 4 submitters: Uncertain significance (4). Last evaluated 2025-03-19.

Conditions:
EHHADH-related disorder. Also called: EHHADH-related condition.

Allele frequency attached by ClinVar (database versions not stated): gnomAD exomes 0.00001 and 0.00003; ExAC 0.00004; gnomAD 0.00008 and 0.00009; TOPMed 0.00009; ESP Exome Variant Server 0.00015; 1000 Genomes Project 30x 0.00016; 1000 Genomes Project 0.00020.
gnomAD v4.1: 32 of 1,599,162 alleles (0.002%); highest among the groups gnomAD compares: African/African-American, 0.027%; no homozygotes.

Submissions (4):

PreventionGenetics, part of Exact Sciences
Classification: Uncertain significance for EHHADH-related condition. Last evaluated: 2025-03-19. Review status: criteria provided, single submitter. Criteria: ACMG Guidelines, 2015. Collection method: clinical testing. Allele origin: germline.
Comment: The EHHADH c.908T>C variant is predicted to result in the amino acid substitution p.Val303Ala. To our knowledge, this variant has not been reported in the literature. This variant is reported in 0.028% of alleles in individuals of African descent in gnomAD. Although we suspect that this variant may be benign, at this time, the clinical significance of this variant is uncertain due to the absence of conclusive functional and genetic evidence.

Ambry Genetics
Classification: Uncertain significance. Last evaluated: 2024-12-20. Review status: criteria provided, single submitter. Criteria: Ambry Variant Classification Scheme 2023. Collection method: clinical testing. Allele origin: germline.

Eurofins Ntd Llc (ga)
Classification: Uncertain significance. Last evaluated: 2017-10-25. Review status: criteria provided, single submitter. Criteria: EGL Classification Definitions 2015. Collection method: clinical testing. Allele origin: germline. Observed: 1 variant allele, 1 heterozygote.

Breakthrough Genomics
Classification: Uncertain significance. Review status: criteria provided, single submitter. Criteria: ACMG Guidelines, 2015. Collection method: not provided. Allele origin: germline. Inheritance: Autosomal dominant inheritance. Affected: yes.

NM_001966.4(EHHADH):c.908T>C (p.Val303Ala)

Gene: EHHADH (enoyl-CoA hydratase and 3-hydroxyacyl CoA dehydrogenase; minus strand). Cytogenetic location: 3q27.2.
Variant type: single nucleotide variant.
Coding change: c.908T>C on transcript NM_001966.4 (MANE Select); coding-DNA position 908, T replaced by C.
Protein change: p.Val303Ala; replaces valine 303 with alanine.
Molecular consequence: missense variant.
Genome position (GRCh38, 1-based): chr3:185,204,418, A>G on the plus strand (T>C on the coding strand, the complement: EHHADH is on the minus strand). VCF-style: chr3-185204418-A-G. GRCh37 (hg19) VCF-style: chr3-184922206-A-G.
Other names: c.620T>C, p.Val207Ala (NM_001166415.2); c.908T>C (NM_001966.3); short protein forms V303A, V207A.
Identifiers: ClinVar variation 594716 (VCV000594716.8), dbSNP rs143364521, ClinGen allele CA2739096.
Genomic context (GRCh38, chr3:185,204,418, plus strand): 5'-TGGTAGCACATTACATGAGCAGATTTGGAGGATTCCATTCATTACCCCATGGTCTTACCA[A>G]CAACACCAACTGAGGAGACAGGCCGCGCTGATGCTGTTTTCCACGATGCTCCGGAGGGAG-3'
Protein context (NP_001957.2, residues 293-313): SARPVSSVGV[Val303Ala]GLGTMGRGIV